The following is an entry in ClinVar:

NM_015692.5(CPAMD8):c.2183T>A (p.Val728Glu)

Gene: CPAMD8 (C3 and PZP like alpha-2-macroglobulin domain containing 8; minus strand). Cytogenetic location: 19p13.11.
Variant type: single nucleotide variant.
Coding change: c.2183T>A on transcript NM_015692.5 (MANE Select); coding-DNA position 2183, T replaced by A.
Protein change: p.Val728Glu; replaces valine 728 with glutamic acid.
Molecular consequence: missense variant. On other transcripts: non-coding transcript variant (1).
Genome position (GRCh38, 1-based): chr19:16,970,921, A>T on the plus strand (T>A on the coding strand, the complement: CPAMD8 is on the minus strand). VCF-style: chr19-16970921-A-T. GRCh37 (hg19) VCF-style: chr19-17081731-A-T.
Other names: short protein forms V728E.
Identifiers: ClinVar variation 2983376 (VCV002983376.3), dbSNP rs370577291, ClinGen allele CA9285409.
Genomic context (GRCh38, chr19:16,970,921, plus strand): 5'-GAAAACCTTGCTCAATGTATAAGCCGTTACCTGGGGGGGTGCCTGGAAGGAGCCACTGCC[A>T]CCAGGCTCCCTGTGTGGGGCTGGAAAGCGGGGACAGCCTCATCGGTGTAGAGGCCACCGT-3'
Protein context (NP_056507.3, residues 718-738): PAFQPHTGSL[Val728Glu]AVAPSRHPPR

ClinVar aggregate classification (germline): Uncertain significance (1 of 4 stars; one submission).

Allele frequency attached by ClinVar (database versions not stated): gnomAD exomes below 0.00001; ExAC 0.00003; gnomAD 0.00003; TOPMed 0.00004; ESP Exome Variant Server 0.00008; 1000 Genomes Project 30x 0.00016; 1000 Genomes Project 0.00020.
gnomAD v4.1: 13 of 1,613,872 alleles (0.00081%); highest among the groups gnomAD compares: African/African-American, 0.008%; no homozygotes.

Submission:

Labcorp Genetics (formerly Invitae), Labcorp
Classification: Uncertain significance. Last evaluated: 2024-01-30. Review status: criteria provided, single submitter. Criteria: Invitae Variant Classification Sherloc (09022015). Collection method: clinical testing. Allele origin: germline.
Comment: This sequence change replaces valine, which is neutral and non-polar, with glutamic acid, which is acidic and polar, at codon 775 of the CPAMD8 protein (p.Val775Glu). This variant is present in population databases (rs370577291, gnomAD 0.02%). This variant has not been reported in the literature in individuals affected with CPAMD8-related conditions. An algorithm developed to predict the effect of missense changes on protein structure and function (PolyPhen-2) suggests that this variant is likely to be tolerated. In summary, the available evidence is currently insufficient to determine the role of this variant in disease. Therefore, it has been classified as a Variant of Uncertain Significance.